The following is an entry in ClinVar:

ClinVar aggregate classification (germline): Uncertain significance. Review status: criteria provided, multiple submitters, no conflicts (2 of 4 stars). 2 submissions from 2 submitters: Uncertain significance (2). Last evaluated 2026-07-18.

Conditions:
Congenital adrenal hyperplasia. Identifiers: Orphanet 418, MedGen C0001627, MONDO:0018479, HP:0008258.
21-Hydroxylase-Deficient Congenital Adrenal Hyperplasia. Also called: ADRENAL HYPERPLASIA III; ADRENAL HYPERPLASIA, CONGENITAL, DUE TO 21-HYDROXYLASE DEFICIENCY. Identifiers: MedGen C2936858, OMIM 201910.

Submissions (2):

Department of Medical Genetics, Ordu University Medical School Training and Research Hospital
Classification: Uncertain significance for 21-Hydroxylase-Deficient Congenital Adrenal Hyperplasia. Last evaluated: 2026-07-18. Review status: criteria provided, single submitter. Criteria: ACMG Guidelines, 2015. Collection method: research. Allele origin: germline. Inheritance: Autosomal recessive inheritance. Affected: yes. Observed: 23 variant alleles, 17 heterozygotes, 6 homozygotes.
Comment: This variant (NM_000500.9:c.738+12_738+13delinsGT) is a recurrent intronic delins in intron 5 that lies outside the canonical splice region. ACMG/AMP criteria applied: BS2 (observed in the homozygous state in a clinically unaffected carrier in this cohort, arguing against a fully penetrant recessive pathogenic effect) and BP4/PM1-neutral context (the change is deep-intronic and not predicted to affect the canonical splice site). It circulates on a common haplotype background, frequently in cis with p.Val282Leu, providing further within-cohort evidence against an independent pathogenic effect. Population allele frequency (PM2/BA1/BS1) cannot be reliably assessed at this locus because of CYP21A1P pseudogene homology, so frequency criteria were not applied. Because functional (RNA/splicing) confirmation and extended co-segregation data are still pending, the variant is classified as of Uncertain significance under the ACMG 2015 criteria.

Women's Health and Genetics/Laboratory Corporation of America, LabCorp
Classification: Uncertain significance for Congenital Adrenal Hyperplasia. Last evaluated: 2011-08-18. Review status: criteria provided, single submitter. Criteria: LabCorp Variant Classification Summary - May 2015. Collection method: curation. Allele origin: germline. Inheritance: autosomal recessive. Affected: yes. Observed: 1 variant allele.
ClinVar note: Converted during submission from uncertain to Uncertain significance.

Literature cited by the submitters: PubMed 3038528 (cited by Women's Health and Genetics/Laboratory Corporation of America, LabCorp).

NM_000500.9(CYP21A2):c.738+12_738+13inv

Genes: CYP21A2 (cytochrome P450 family 21 subfamily A member 2; plus strand), LOC106780800 (CYP21A2 recombination region; plus strand). Cytogenetic location: 6p21.33.
Variant type: Inversion.
Coding change: c.738+12_738+13inv on transcript NM_000500.9 (MANE Select).
Molecular consequence: intron variant.
Genome position: GRCh38 VCF-style: chr6-32039847-AC-GT. GRCh37 (hg19) VCF-style: chr6-32007624-AC-GT.
Other names: intronic delins; VariantValidator represents this as c.738+12_738+13inv; dbSNP:rs71552100; c.738+12_738+13delACinsGT (NM_000500.9); c.333+12_333+13inv (NM_001368143.2, NM_001368144.2); c.648+12_648+13inv (NM_001128590.4).
Identifiers: ClinVar variation 35996 (VCV000035996.4), ClinGen allele CA213679.
Genomic context (GRCh38, chr6:32,039,847, plus strand): 5'-CATAGAGAAGAGGGATCACATCGTGGAGATGCAGCTGAGGCAGCACAAGGTGGGGACTGT[AC>GT]GTGGACGGCCTCCCCTCGGCCCACAGCCAGTGATGCTACCGGCCTCAGCATTGCTATGAG-3'